The following is an entry in ClinVar:

ClinVar aggregate classification (germline): Uncertain significance (1 of 4 stars; one submission).

Conditions:
Cardiovascular phenotype. Identifiers: MedGen CN230736.

gnomAD v4.1: 1 of 1,614,230 alleles (0.000062%); highest among the groups gnomAD compares: South Asian, 0.0011%; no homozygotes.

Submission:

Ambry Genetics
Classification: Uncertain significance for Cardiovascular phenotype. Last evaluated: 2025-11-17. Review status: criteria provided, single submitter. Criteria: Ambry Variant Classification Scheme 2023. Collection method: clinical testing. Allele origin: germline.
Comment: The p.Q875R variant (also known as c.2624A>G), located in coding exon 16 of the CBL gene, results from an A to G substitution at nucleotide position 2624. The glutamine at codon 875 is replaced by arginine, an amino acid with highly similar properties. This amino acid position is conserved. In addition, this alteration is predicted to be tolerated by in silico analysis. Based on the available evidence, the clinical significance of this variant remains unclear.

NM_005188.4(CBL):c.2624A>G (p.Gln875Arg)

Gene: CBL (Cbl proto-oncogene; plus strand). Cytogenetic location: 11q23.3.
Variant type: single nucleotide variant.
Coding change: c.2624A>G on transcript NM_005188.4 (MANE Select); coding-DNA position 2624, A replaced by G.
Protein change: p.Gln875Arg; replaces glutamine 875 with arginine.
Molecular consequence: missense variant.
Genome position (GRCh38, 1-based): chr11:119,299,684, A>G. VCF-style: chr11-119299684-A-G. GRCh37 (hg19) VCF-style: chr11-119170394-A-G.
Other names: short protein forms Q875R.
Identifiers: ClinVar variation 4613880 (VCV004613880.1).
Genomic context (GRCh38, chr11:119,299,684, plus strand): 5'-CTCAGCTCTCCAGTGAGATCGAGAACCTCATGAGTCAGGGGTACTCCTACCAGGACATCC[A>G]GAAAGCTTTGGTCATTGCCCAGAACAACATCGAGATGGCCAAAAACATCCTCCGGGAATT-3'
Protein context (NP_005179.2, residues 865-885): MSQGYSYQDI[Gln875Arg]KALVIAQNNI